The following is an entry in ClinVar:

NM_001355436.2(SPTB):c.6023-30G>T

Gene: SPTB (spectrin beta, erythrocytic; minus strand). Cytogenetic location: 14q23.3.
Variant type: single nucleotide variant.
Coding change: c.6023-30G>T on transcript NM_001355436.2 (MANE Select); 30 bases into the intron before coding-DNA position 6023, G replaced by T.
Molecular consequence: intron variant.
Genome position (GRCh38, 1-based): chr14:64,767,889, C>A on the plus strand (G>T on the coding strand, the complement: SPTB is on the minus strand). VCF-style: chr14-64767889-C-A. GRCh37 (hg19) VCF-style: chr14-65234607-C-A.
Other names: p.?; c.6023-30G>T (NM_001024858.4, NM_001355437.2).
Identifiers: ClinVar variation 4683868 (VCV004683868.1).
Genomic context (GRCh38, chr14:64,767,889, plus strand): 5'-GCATCCCTCGAGAACTGGCACACCTCCAGCACTGCCAGGGGGAACAGGACACAGACCCCC[C>A]ACAAGGCCCAGGGCCTGTTAGCACCCAATCGTTCACTCCTGATTGGGGCCAGTGGTCAGG-3'

ClinVar aggregate classification (germline): Likely benign (1 of 4 stars; one submission).

gnomAD v4.1: 13 of 1,611,006 alleles (0.00081%); highest among the groups gnomAD compares: South Asian, 0.0044%; no homozygotes.

Submission:

Mayo Clinic Laboratories, Mayo Clinic
Classification: Likely benign. Last evaluated: 2024-11-13. Review status: criteria provided, single submitter. Criteria: ACMG Guidelines, 2015. Collection method: clinical testing. Allele origin: germline. Observed: 1 variant allele.
Comment: BP4, BP7, PM2_supporting